The following is an entry in ClinVar:

ClinVar aggregate classification (germline): Likely pathogenic (1 of 4 stars; one submission).

Conditions:
Menkes kinky-hair syndrome (MNK). Also called: Classic Menkes Disease; Copper transport disease; Menkes Disease. Identifiers: Orphanet 565, MedGen C0022716, MONDO:0010651, OMIM 309400.
X-linked distal spinal muscular atrophy type 3. Also called: ATP7A-Related Distal Motor Neuropathy; SPINAL MUSCULAR ATROPHY, DISTAL, X-LINKED RECESSIVE; NEURONOPATHY, DISTAL HEREDITARY MOTOR, X-LINKED; NEUROPATHY, DISTAL HEREDITARY MOTOR, X-LINKED. Identifiers: Orphanet 139557, MedGen C1845359, MONDO:0010338, OMIM 300489.
Cutis laxa, X-linked (OHS). Also called: EDS IX; Occipital horn syndrome. Identifiers: Orphanet 198, MedGen C0268353, MONDO:0010572, OMIM 304150.

Submission:

Labcorp Genetics (formerly Invitae), Labcorp
Classification: Likely pathogenic for X-linked distal spinal muscular atrophy type 3; Cutis laxa, X-linked; Menkes kinky-hair syndrome. Last evaluated: 2023-11-24. Review status: criteria provided, single submitter. Criteria: Invitae Variant Classification Sherloc (09022015). Collection method: clinical testing. Allele origin: unknown.
Comment: This variant results in a copy number gain of the genomic region encompassing exon(s) 17-22 of the ATP7A gene. While the exact position of this variant cannot be determined from the data, sub-genic copy number gains are generally in tandem (PMID: 25640679). This variant is predicted to be out-of-frame, and may result in an absent or disrupted protein product. Loss-of-function variants in ATP7A are known to be pathogenic (PMID: 11241493, 20652413). This variant has not been reported in the literature in individuals affected with ATP7A-related conditions. In summary, the currently available evidence indicates that the variant is pathogenic, but additional data are needed to prove that conclusively. Therefore, this variant has been classified as Likely Pathogenic.

Literature cited by the submitters: PubMed 25640679; PubMed 11241493; PubMed 20652413.

NC_000023.10:g.(?_77289083)_(77301089_?)dup

Gene: ATP7A (ATPase copper transporting alpha; plus strand). Cytogenetic location: Xq21.1.
Variant type: Duplication.
Identifiers: ClinVar variation 3244772 (VCV003244772.1).